The following is an entry in ClinVar:

ClinVar aggregate classification (germline): Uncertain significance (1 of 4 stars; one submission).

gnomAD v4.1: 4 of 1,125,432 alleles (0.00036%); highest among the groups gnomAD compares: African/African-American, 0.0054%; no homozygotes.

Submission:

GeneDx
Classification: Uncertain significance. Last evaluated: 2024-12-07. Review status: criteria provided, single submitter. Criteria: GeneDx Variant Classification Process June 2021. Collection method: clinical testing. Allele origin: germline. Affected: yes.
Comment: In silico analysis indicates that this missense variant does not alter protein structure/function; Has not been previously published as pathogenic or benign to our knowledge

NM_031407.7(HUWE1):c.856A>G (p.Ile286Val)

Gene: HUWE1 (HECT, UBA and WWE domain containing E3 ubiquitin protein ligase 1; minus strand). Cytogenetic location: Xp11.22.
Variant type: single nucleotide variant.
Coding change: c.856A>G on transcript NM_031407.7 (MANE Select); coding-DNA position 856, A replaced by G.
Protein change: p.Ile286Val; replaces isoleucine 286 with valine.
Molecular consequence: missense variant.
Genome position (GRCh38, 1-based): chrX:53,630,941, T>C on the plus strand (A>G on the coding strand, the complement: HUWE1 is on the minus strand). VCF-style: chrX-53630941-T-C. GRCh37 (hg19) VCF-style: chrX-53657893-T-C.
Other names: short protein forms I286V.
Identifiers: ClinVar variation 3901377 (VCV003901377.1).